The following is an entry in ClinVar:

NM_016222.4(DDX41):c.938G>T (p.Gly313Val)

Gene: DDX41 (DEAD-box helicase 41; minus strand). Cytogenetic location: 5q35.3.
Variant type: single nucleotide variant.
Coding change: c.938G>T on transcript NM_016222.4 (MANE Select); coding-DNA position 938, G replaced by T.
Protein change: p.Gly313Val; replaces glycine 313 with valine.
Molecular consequence: missense variant.
Genome position (GRCh38, 1-based): chr5:177,513,845, C>A on the plus strand (G>T on the coding strand, the complement: DDX41 is on the minus strand). VCF-style: chr5-177513845-C-A. GRCh37 (hg19) VCF-style: chr5-176940846-C-A.
Other names: c.560G>T, p.Gly187Val (NM_001321732.2, NM_001321830.2); short protein forms G313V, G187V.
Identifiers: ClinVar variation 3688963 (VCV003688963.2).

ClinVar aggregate classification (germline): Uncertain significance (1 of 4 stars; one submission).

Submission:

Labcorp Genetics (formerly Invitae), Labcorp
Classification: Uncertain significance. Last evaluated: 2024-04-05. Review status: criteria provided, single submitter. Criteria: Invitae Variant Classification Sherloc (09022015). Collection method: clinical testing. Allele origin: germline.
Comment: This sequence change replaces glycine, which is neutral and non-polar, with valine, which is neutral and non-polar, at codon 313 of the DDX41 protein (p.Gly313Val). This variant is not present in population databases (gnomAD no frequency). This variant has not been reported in the literature in individuals affected with DDX41-related conditions. An algorithm developed to predict the effect of missense changes on protein structure and function (PolyPhen-2) suggests that this variant is likely to be disruptive. In summary, the available evidence is currently insufficient to determine the role of this variant in disease. Therefore, it has been classified as a Variant of Uncertain Significance.